The following is an entry in ClinVar:

ClinVar aggregate classification (germline): Conflicting classifications of pathogenicity. Review status: criteria provided, conflicting classifications (1 of 4 stars). 4 submissions from 4 submitters: Likely pathogenic (1); Benign (1); Likely benign (2). Last evaluated 2026-01-20.

Conditions:
PDGFRA-related disorder. Also called: PDGFRA-related condition.
Hereditary cancer-predisposing syndrome. Also called: Neoplastic Syndromes, Hereditary; Tumor predisposition; Hereditary Cancer Syndrome; Hereditary neoplastic syndrome. Identifiers: Orphanet 140162, MedGen C0027672, MeSH D009386, MONDO:0015356.
Ovarian cancer. Also called: OVARIAN CANCER, SOMATIC. Identifiers: Orphanet 213500, MedGen C1140680, MONDO:0008170, OMIM 167000.
Gastrointestinal stromal tumor. Also called: Gastrointestinal stroma tumor; Gastrointestinal stromal tumor, somatic. Identifiers: Orphanet 44890, MedGen C0238198, MeSH D046152, MONDO:0011719, OMIM 606764, HP:0100723.

Allele frequency attached by ClinVar (database versions not stated): gnomAD 0.00001 and 0.00003; TOPMed 0.00005; gnomAD exomes 0.00006 and 0.00011; ExAC 0.00009; 1000 Genomes Project 30x 0.00016; 1000 Genomes Project 0.00020.
gnomAD v4.1: 93 of 1,614,144 alleles (0.0058%); highest among the groups gnomAD compares: East Asian, 0.2%; no homozygotes.

Submissions (4):

Labcorp Genetics (formerly Invitae), Labcorp
Classification: Likely benign for Gastrointestinal stromal tumor. Last evaluated: 2026-01-20. Review status: criteria provided, single submitter. Criteria: Invitae Variant Classification Sherloc (09022015). Collection method: clinical testing. Allele origin: germline.

PreventionGenetics, part of Exact Sciences
Classification: Likely benign for PDGFRA-related condition. Last evaluated: 2025-07-29. Review status: criteria provided, single submitter. Criteria: ACMG Guidelines, 2015. Collection method: clinical testing. Allele origin: germline.
Comment: This variant is classified as likely benign based on ACMG/AMP sequence variant interpretation guidelines (Richards et al. 2015 PMID: 25741868, with internal and published modifications).

Ambry Genetics
Classification: Benign for Hereditary cancer-predisposing syndrome. Last evaluated: 2024-12-12. Review status: criteria provided, single submitter. Criteria: Ambry Variant Classification Scheme 2023. Collection method: clinical testing. Allele origin: germline.

Laboratory of Molecular Epidemiology of Birth Defects, West China Second University Hospital, Sichuan University
Classification: Likely pathogenic for Ovarian cancer. Last evaluated: 2022-01-01. Review status: criteria provided, single submitter. Criteria: ACMG Guidelines, 2015. Collection method: clinical testing. Allele origin: germline. Affected: yes.

NM_006206.6(PDGFRA):c.3098A>T (p.Asp1033Val)

Gene: PDGFRA (platelet derived growth factor receptor alpha; plus strand). Cytogenetic location: 4q12.
Variant type: single nucleotide variant.
Coding change: c.3098A>T on transcript NM_006206.6 (MANE Select); coding-DNA position 3098, A replaced by T.
Protein change: p.Asp1033Val; replaces aspartic acid 1033 with valine.
Molecular consequence: missense variant.
Genome position (GRCh38, 1-based): chr4:54,290,530, A>T. VCF-style: chr4-54290530-A-T. GRCh37 (hg19) VCF-style: chr4-55156697-A-T.
Other names: c.3173A>T, p.Asp1058Val (NM_001347828.2); c.3098A>T, p.Asp1033Val (NM_001347829.2); c.3137A>T, p.Asp1046Val (NM_001347830.2); c.3098A>T (NM_006206.5); short protein forms D1033V, D1046V, D1058V.
Identifiers: ClinVar variation 407415 (VCV000407415.26), dbSNP rs201874958, ClinGen allele CA2923026.